The following is an entry in ClinVar:

NM_004970.3(IGFALS):c.801G>A (p.Ala267=)

Gene: IGFALS (insulin like growth factor binding protein acid labile subunit; minus strand). Cytogenetic location: 16p13.3.
Variant type: single nucleotide variant.
Coding change: c.801G>A on transcript NM_004970.3 (MANE Select); coding-DNA position 801, G replaced by A.
Protein change: p.Ala267=; no amino-acid change (alanine 267 retained).
Molecular consequence: synonymous variant. On other transcripts: non-coding transcript variant (1).
Genome position (GRCh38, 1-based): chr16:1,791,617, C>T on the plus strand (G>A on the coding strand, the complement: IGFALS is on the minus strand). VCF-style: chr16-1791617-C-T. GRCh37 (hg19) VCF-style: chr16-1841618-C-T.
Other names: c.915G>A, p.Ala305= (NM_001146006.2).
Identifiers: ClinVar variation 318252 (VCV000318252.13), dbSNP rs35632685, ClinGen allele CA7820486.
Genomic context (GRCh38, chr16:1,791,617, plus strand): 5'-GGGGAACGTGTCCTCCAGGAGGCCAGCCACGCGGTTGTGGGACAGGTCCAGCCATCGCAG[C>T]GCCTTCAGGCCCAGGAAGGCGCCCGGGGCCACGGCAGCGATGAGGTTGCGGTCCAGGTAG-3'
Protein context (NP_004961.1, residues 257-277): VAPGAFLGLK[Ala267=]LRWLDLSHNR

ClinVar aggregate classification (germline): Benign. Review status: criteria provided, multiple submitters, no conflicts (2 of 4 stars). 5 submissions from 5 submitters: Benign (4). 1 of the submissions does not count toward it. Last evaluated 2026-05-14.

Conditions:
Short stature due to primary acid-labile subunit deficiency. Also called: Acid-labile subunit deficiency; Acid-labile subunit, deficiency of. Identifiers: Orphanet 140941, MedGen C3900122, MONDO:0014420, OMIM 615961.
IGFALS-related disorder. Also called: IGFALS-related condition.

Allele frequency attached by ClinVar (database versions not stated): ExAC 0.00511; 1000 Genomes Project 30x 0.00703; ESP Exome Variant Server 0.00016; gnomAD 0.00322 and 0.00279; TOPMed 0.00408; 1000 Genomes Project 0.00659.
gnomAD v4.1: 2,998 of 1,569,020 alleles (0.19%); highest among the groups gnomAD compares: East Asian, 3.6%; 56 homozygotes.

Submissions (5):

Women's Health and Genetics/Laboratory Corporation of America, LabCorp
Classification: Benign. Last evaluated: 2026-05-14. Review status: criteria provided, single submitter. Criteria: LabCorp Variant Classification Summary - May 2015. Collection method: clinical testing. Allele origin: germline.

Labcorp Genetics (formerly Invitae), Labcorp
Classification: Benign. Last evaluated: 2019-12-31. Review status: criteria provided, single submitter. Criteria: Invitae Variant Classification Sherloc (09022015). Collection method: clinical testing. Allele origin: germline.

Illumina Laboratory Services, Illumina
Classification: Benign for Short stature due to primary acid-labile subunit deficiency. Last evaluated: 2018-01-13. Review status: criteria provided, single submitter. Criteria: ICSL Variant Classification Criteria 13 December 2019. Collection method: clinical testing. Allele origin: germline.
Comment: This variant was observed in the ICSL laboratory as part of a predisposition screen in an ostensibly healthy population. It had not been previously curated by ICSL or reported in the Human Gene Mutation Database (HGMD: prior to June 1st, 2018), and was therefore a candidate for classification through an automated scoring system. Utilizing variant allele frequency, disease prevalence and penetrance estimates, and inheritance mode, an automated score was calculated to assess if this variant is too frequent to cause the disease. Based on the score and internal cut-off values, a variant classified as benign is not then subjected to further curation. The score for this variant resulted in a classification of benign for this disease.

Breakthrough Genomics
Classification: Benign. Review status: criteria provided, single submitter. Criteria: ACMG Guidelines, 2015. Collection method: not provided. Allele origin: germline. Inheritance: Autosomal recessive inheritance. Affected: yes.

PreventionGenetics, part of Exact Sciences
Classification: Benign for IGFALS-related condition. Last evaluated: 2019-07-10. Review status: no assertion criteria provided. Collection method: clinical testing. Allele origin: germline. Not counted in ClinVar's aggregate classification.
Comment: This variant is classified as benign based on ACMG/AMP sequence variant interpretation guidelines (Richards et al. 2015 PMID: 25741868, with internal and published modifications).